The following is an entry in ClinVar:

ClinVar aggregate classification (germline): Uncertain significance (1 of 4 stars; one submission).

Conditions:
Retinoblastoma (RB1). Also called: RETINOBLASTOMA, SOMATIC. Identifiers: Orphanet 790, MedGen C0035335, MeSH D012175, MONDO:0008380, OMIM 180200, HP:0009919. Disease mechanism: loss of function. Inheritance: Both sporadic and heritable forms are tested..

Submission:

Labcorp Genetics (formerly Invitae), Labcorp
Classification: Uncertain significance for Retinoblastoma. Last evaluated: 2025-10-26. Review status: criteria provided, single submitter. Criteria: Invitae Variant Classification Sherloc (09022015). Collection method: clinical testing. Allele origin: germline.
Comment: This sequence change replaces lysine, which is basic and polar, with arginine, which is basic and polar, at codon 896 of the RB1 protein (p.Lys896Arg). This variant is not present in population databases (gnomAD no frequency). This variant has not been reported in the literature in individuals affected with RB1-related conditions. ClinVar contains an entry for this variant (Variation ID: 1440692). Invitae Evidence Modeling of protein sequence and biophysical properties (such as structural, functional, and spatial information, amino acid conservation, physicochemical variation, residue mobility, and thermodynamic stability) has been performed for this missense variant. However, the output from this modeling did not meet the statistical confidence thresholds required to predict the impact of this variant on RB1 protein function. In summary, the available evidence is currently insufficient to determine the role of this variant in disease. Therefore, it has been classified as a Variant of Uncertain Significance.

NM_000321.3(RB1):c.2687A>G (p.Lys896Arg)

Gene: RB1 (RB transcriptional corepressor 1; plus strand). Cytogenetic location: 13q14.2.
Variant type: single nucleotide variant.
Coding change: c.2687A>G on transcript NM_000321.3 (MANE Select); coding-DNA position 2687, A replaced by G.
Protein change: p.Lys896Arg; replaces lysine 896 with arginine.
Molecular consequence: missense variant.
Genome position (GRCh38, 1-based): chr13:48,477,378, A>G. VCF-style: chr13-48477378-A-G. GRCh37 (hg19) VCF-style: chr13-49051514-A-G.
Other names: short protein forms K896R.
Identifiers: ClinVar variation 1440692 (VCV001440692.8), dbSNP rs2138360885, ClinGen allele CA388157828.
Genomic context (GRCh38, chr13:48,477,378, plus strand): 5'-ATACACATGAAATGTTTTGCATTTTTTTAATCTGCAGTAAACATCTCCCAGGAGAGTCCA[A>G]ATTTCAGCAGAAACTGGCAGAAATGAGTAAGTACTTTTTTCACCTTGTGTAAATGAAATA-3'
Protein context (NP_000312.2, residues 886-906): DGSKHLPGES[Lys896Arg]FQQKLAEMTS